The following is an entry in ClinVar:

ClinVar aggregate classification (germline): Conflicting classifications of pathogenicity. Review status: criteria provided, conflicting classifications (1 of 4 stars). 2 submissions from 2 submitters: Likely pathogenic (1); Uncertain significance (1). Last evaluated 2025-06-04.

Conditions:
Stickler syndrome type 1 (STL1). Also called: COL2A1-Related Stickler Syndrome; STICKLER SYNDROME, MEMBRANOUS VITREOUS TYPE; STICKLER SYNDROME, VITREOUS TYPE 1; ARTHROOPHTHALMOPATHY, HEREDITARY PROGRESSIVE. Identifiers: Orphanet 828, Orphanet 90653, MedGen C2020284, MONDO:0007160, OMIM 108300.

Allele frequency attached by ClinVar (database versions not stated): gnomAD exomes below 0.00001.
gnomAD v4.1: 1 of 1,613,576 alleles (0.000062%); no homozygotes.

Submissions (2):

Labcorp Genetics (formerly Invitae), Labcorp
Classification: Likely pathogenic. Last evaluated: 2025-06-04. Review status: criteria provided, single submitter. Criteria: Invitae Variant Classification Sherloc (09022015). Collection method: clinical testing. Allele origin: germline.
Comment: This sequence change replaces glycine, which is neutral and non-polar, with cysteine, which is neutral and slightly polar, at codon 684 of the COL2A1 protein (p.Gly684Cys). The frequency data for this variant in the population databases is considered unreliable, as metrics indicate poor data quality at this position in the gnomAD database. This variant has not been reported in the literature in individuals affected with COL2A1-related conditions. ClinVar contains an entry for this variant (Variation ID: 1032007). An algorithm developed to predict the effect of missense changes on protein structure and function (PolyPhen-2) suggests that this variant is likely to be disruptive. This variant disrupts the triple helix domain of COL2A1. Glycine residues within the Gly-Xaa-Yaa repeats of the triple helix domain are required for the structure and stability of fibrillar collagens (PMID: 7695699, 8218237, 19344236). In COL2A1, variants affecting these glycine residues are significantly enriched in individuals with disease (PMID: 9016532, 17078022) compared to the general population (ExAC). In summary, the currently available evidence indicates that the variant is pathogenic, but additional data are needed to prove that conclusively. Therefore, this variant has been classified as Likely Pathogenic.

Baylor Genetics
Classification: Uncertain significance for Stickler syndrome type 1. Last evaluated: 2018-06-28. Review status: criteria provided, single submitter. Criteria: ACMG Guidelines, 2015. Collection method: clinical testing. Allele origin: maternal. Affected: yes.
Comment: This variant was determined to be of uncertain significance according to ACMG Guidelines, 2015 [PMID:25741868].

Literature cited by the submitters: PubMed 7695699 (cited by Labcorp Genetics (formerly Invitae), Labcorp); PubMed 8218237 (cited by Labcorp Genetics (formerly Invitae), Labcorp); PubMed 19344236 (cited by Labcorp Genetics (formerly Invitae), Labcorp); PubMed 9016532 (cited by Labcorp Genetics (formerly Invitae), Labcorp); PubMed 17078022 (cited by Labcorp Genetics (formerly Invitae), Labcorp).

NM_001844.5(COL2A1):c.2050G>T (p.Gly684Cys)

Gene: COL2A1 (collagen type II alpha 1 chain; minus strand). Cytogenetic location: 12q13.11.
Variant type: single nucleotide variant.
Coding change: c.2050G>T on transcript NM_001844.5 (MANE Select); coding-DNA position 2050, G replaced by T.
Protein change: p.Gly684Cys; replaces glycine 684 with cysteine.
Molecular consequence: missense variant.
Genome position (GRCh38, 1-based): chr12:47,983,137, C>A on the plus strand (G>T on the coding strand, the complement: COL2A1 is on the minus strand). VCF-style: chr12-47983137-C-A. GRCh37 (hg19) VCF-style: chr12-48376920-C-A.
Other names: c.1843G>T, p.Gly615Cys (NM_033150.3); short protein forms G615C, G684C.
Identifiers: ClinVar variation 1032007 (VCV001032007.5), dbSNP rs1231988113, ClinGen allele CA384547687.
Genomic context (GRCh38, chr12:47,983,137, plus strand): 5'-CCAACAGGATACTCACCCTGGGACCCACGAGGCCAGGGGCTCCAGCTTCACCGGGAACAC[C>A]CTGGAGAACAAAGAAAGATGTGTGAGAGTGAAGGCTTCATATCACAGACCCCTGAACAAT-3'
Protein context (NP_001835.3, residues 674-694): PGEGGKPGDQ[Gly684Cys]VPGEAGAPGL